The following is an entry in ClinVar:

ClinVar aggregate classification (germline): Likely benign (1 of 4 stars; one submission).

Submission:

CeGaT Center for Human Genetics Tuebingen
Classification: Likely benign. Last evaluated: 2024-07-01. Review status: criteria provided, single submitter. Criteria: CeGaT Center For Human Genetics Tuebingen Variant Classification Criteria Version 2. Collection method: clinical testing. Allele origin: germline. Affected: yes. Observed: 1 variant allele.
Comment: EBP: PM2:Supporting, BP4, BP7

NM_006579.3(EBP):c.162G>C (p.Ala54=)

Gene: EBP (EBP cholestenol delta-isomerase; plus strand). Cytogenetic location: Xp11.23.
Variant type: single nucleotide variant.
Coding change: c.162G>C on transcript NM_006579.3 (MANE Select); coding-DNA position 162, G replaced by C.
Protein change: p.Ala54=; no amino-acid change (alanine 54 retained).
Molecular consequence: synonymous variant.
Genome position (GRCh38, 1-based): chrX:48,523,933, G>C. VCF-style: chrX-48523933-G-C. GRCh37 (hg19) VCF-style: chrX-48382321-G-C.
Identifiers: ClinVar variation 3257157 (VCV003257157.17).